The following is an entry in ClinVar:

NM_018699.4(PRDM5):c.1359G>T (p.Val453=)

Gene: PRDM5 (PR/SET domain 5; minus strand). Cytogenetic location: 4q27.
Variant type: single nucleotide variant.
Coding change: c.1359G>T on transcript NM_018699.4 (MANE Select); coding-DNA position 1359, G replaced by T.
Protein change: p.Val453=; no amino-acid change (valine 453 retained).
Molecular consequence: synonymous variant.
Genome position (GRCh38, 1-based): chr4:120,781,227, C>A on the plus strand (G>T on the coding strand, the complement: PRDM5 is on the minus strand). VCF-style: chr4-120781227-C-A. GRCh37 (hg19) VCF-style: chr4-121702382-C-A.
Other names: c.1266G>T, p.Val422= (NM_001300823.2, NM_001300824.2, NM_001379106.1); c.1392G>T, p.Val464= (NM_001379104.1).
Identifiers: ClinVar variation 1770771 (VCV001770771.4), dbSNP rs1459200785, ClinGen allele CA441082217.

ClinVar aggregate classification (germline): Likely benign. Review status: criteria provided, multiple submitters, no conflicts (2 of 4 stars). 2 submissions from 2 submitters: Likely benign (2). Last evaluated 2026-04-01.

Conditions:
Cardiovascular phenotype. Identifiers: MedGen CN230736.

gnomAD v4.1: 2 of 1,612,110 alleles (0.00012%); highest among the groups gnomAD compares: Non-Finnish European, 0.00017%; no homozygotes.

Submissions (2):

CeGaT Center for Human Genetics Tuebingen
Classification: Likely benign. Last evaluated: 2026-04-01. Review status: criteria provided, single submitter. Criteria: CeGaT Center For Human Genetics Tuebingen Variant Classification Criteria Version 2. Collection method: clinical testing. Allele origin: germline. Affected: yes. Observed: 1 variant allele.
Comment: PRDM5: BP4, BP7

Ambry Genetics
Classification: Likely benign for Cardiovascular phenotype. Last evaluated: 2021-03-13. Review status: criteria provided, single submitter. Criteria: Ambry Variant Classification Scheme 2023. Collection method: clinical testing. Allele origin: germline.